The following is an entry in ClinVar:

ClinVar aggregate classification (germline): Pathogenic (1 of 4 stars; one submission).

Conditions:
Primary ciliary dyskinesia. Also called: Ciliary dyskinesia. Identifiers: Orphanet 244, MedGen C0008780, MONDO:0016575, HP:0012265.

Submission:

Labcorp Genetics (formerly Invitae), Labcorp
Classification: Pathogenic for Primary ciliary dyskinesia. Last evaluated: 2022-07-19. Review status: criteria provided, single submitter. Criteria: Invitae Variant Classification Sherloc (09022015). Collection method: clinical testing. Allele origin: germline.
Comment: For these reasons, this variant has been classified as Pathogenic. ClinVar contains an entry for this variant (Variation ID: 939683). This variant has not been reported in the literature in individuals affected with DNAH11-related conditions. This variant is not present in population databases (gnomAD no frequency). This sequence change creates a premature translational stop signal (p.Tyr1039*) in the DNAH11 gene. It is expected to result in an absent or disrupted protein product. Loss-of-function variants in DNAH11 are known to be pathogenic (PMID: 18022865, 20513915, 22184204).

Literature cited by the submitters: PubMed 18022865; PubMed 20513915; PubMed 22184204.

NM_001277115.2(DNAH11):c.3117C>G (p.Tyr1039Ter)

Genes: DNAH11 (dynein axonemal heavy chain 11; plus strand), LOC126859961 (BRD4-independent group 4 enhancer GRCh37_chr7:21639662-21640861; plus strand). Cytogenetic location: 7p15.3.
Variant type: single nucleotide variant.
Coding change: c.3117C>G on transcript NM_001277115.2 (MANE Select); coding-DNA position 3117, C replaced by G.
Protein change: p.Tyr1039Ter; replaces tyrosine 1039 with a stop codon.
Molecular consequence: nonsense.
Genome position (GRCh38, 1-based): chr7:21,600,792, C>G. VCF-style: chr7-21600792-C-G. GRCh37 (hg19) VCF-style: chr7-21640410-C-G.
Other names: short protein forms Y1039*.
Identifiers: ClinVar variation 939683 (VCV000939683.8), dbSNP rs760622693, ClinGen allele CA366945144.